The following is an entry in ClinVar:

NM_000264.5(PTCH1):c.1309G>A (p.Val437Ile)

Gene: PTCH1 (patched 1; minus strand). Cytogenetic location: 9q22.32.
Variant type: single nucleotide variant.
Coding change: c.1309G>A on transcript NM_000264.5 (MANE Select); coding-DNA position 1309, G replaced by A.
Protein change: p.Val437Ile; replaces valine 437 with isoleucine.
Molecular consequence: missense variant. On other transcripts: non-coding transcript variant (1).
Genome position (GRCh38, 1-based): chr9:95,478,093, C>T on the plus strand (G>A on the coding strand, the complement: PTCH1 is on the minus strand). VCF-style: chr9-95478093-C-T. GRCh37 (hg19) VCF-style: chr9-98240375-C-T.
Other names: c.1111G>A, p.Val371Ile (NM_001083602.3); c.1306G>A, p.Val436Ile (NM_001083603.3); c.856G>A, p.Val286Ile (NM_001083604.3, NM_001083605.3, NM_001083606.3 and 1 more transcripts); c.1309G>A, p.Val437Ile (NM_001354918.2); short protein forms V371I, V437I, V436I, V286I.
Identifiers: ClinVar variation 862553 (VCV000862553.12), dbSNP rs1293146883, ClinGen allele CA374118777.

ClinVar aggregate classification (germline): Uncertain significance. Review status: criteria provided, multiple submitters, no conflicts (2 of 4 stars). 2 submissions from 2 submitters: Uncertain significance (2). Last evaluated 2025-12-24.

Conditions:
Gorlin syndrome. Also called: Nevoid Basal Cell Carcinoma Syndrome; Basal cell nevus syndrome. Identifiers: Orphanet 377, MedGen C0004779, MONDO:0007187.
Hereditary cancer-predisposing syndrome. Also called: Tumor predisposition; Hereditary Cancer Syndrome; Neoplastic Syndromes, Hereditary; Hereditary neoplastic syndrome. Identifiers: Orphanet 140162, MedGen C0027672, MeSH D009386, MONDO:0015356.

Allele frequency attached by ClinVar (database versions not stated): gnomAD exomes below 0.00001; TOPMed below 0.00001.

Submissions (2):

Labcorp Genetics (formerly Invitae), Labcorp
Classification: Uncertain significance for Gorlin syndrome. Last evaluated: 2025-12-24. Review status: criteria provided, single submitter. Criteria: Invitae Variant Classification Sherloc (09022015). Collection method: clinical testing. Allele origin: germline.
Comment: This sequence change replaces valine, which is neutral and non-polar, with isoleucine, which is neutral and non-polar, at codon 437 of the PTCH1 protein (p.Val437Ile). This variant is not present in population databases (gnomAD no frequency). This variant has not been reported in the literature in individuals affected with PTCH1-related conditions. ClinVar contains an entry for this variant (Variation ID: 862553). Invitae Evidence Modeling of protein sequence and biophysical properties (such as structural, functional, and spatial information, amino acid conservation, physicochemical variation, residue mobility, and thermodynamic stability) indicates that this missense variant is not expected to disrupt PTCH1 protein function with a negative predictive value of 95%. In summary, the available evidence is currently insufficient to determine the role of this variant in disease. Therefore, it has been classified as a Variant of Uncertain Significance.

Ambry Genetics
Classification: Uncertain significance for Hereditary cancer-predisposing syndrome. Last evaluated: 2025-10-16. Review status: criteria provided, single submitter. Criteria: Ambry Variant Classification Scheme 2023. Collection method: clinical testing. Allele origin: germline.
Comment: The p.V437I variant (also known as c.1309G>A), located in coding exon 9 of the PTCH1 gene, results from a G to A substitution at nucleotide position 1309. The valine at codon 437 is replaced by isoleucine, an amino acid with highly similar properties. This amino acid position is well conserved in available vertebrate species. In addition, this alteration is predicted to be tolerated by in silico analysis. Since supporting evidence is limited at this time, the clinical significance of this alteration remains unclear.